The following is an entry in ClinVar:

NM_004336.5(BUB1):c.698A>T (p.Gln233Leu)

Gene: BUB1 (BUB1 mitotic checkpoint serine/threonine kinase; minus strand). Cytogenetic location: 2q13.
Variant type: single nucleotide variant.
Coding change: c.698A>T on transcript NM_004336.5 (MANE Select); coding-DNA position 698, A replaced by T.
Protein change: p.Gln233Leu; replaces glutamine 233 with leucine.
Molecular consequence: missense variant.
Genome position (GRCh38, 1-based): chr2:110,667,628, T>A on the plus strand (A>T on the coding strand, the complement: BUB1 is on the minus strand). VCF-style: chr2-110667628-T-A. GRCh37 (hg19) VCF-style: chr2-111425205-T-A.
Other names: c.638A>T, p.Gln213Leu (NM_001278616.2); c.698A>T, p.Gln233Leu (NM_001278617.2); short protein forms Q213L, Q233L.
Identifiers: ClinVar variation 3224114 (VCV003224114.1), dbSNP rs2468028289, ClinGen allele CA348217817.

ClinVar aggregate classification (germline): Uncertain significance (1 of 4 stars; one submission).

Submission:

Ambry Genetics
Classification: Uncertain significance. Last evaluated: 2023-11-10. Review status: criteria provided, single submitter. Criteria: Ambry Variant Classification Scheme 2023. Collection method: clinical testing. Allele origin: germline.
Comment: The p.Q233L variant (also known as c.698A>T), located in coding exon 8 of the BUB1 gene, results from an A to T substitution at nucleotide position 698. The glutamine at codon 233 is replaced by leucine, an amino acid with dissimilar properties. This amino acid position is conserved. In addition, this alteration is predicted to be tolerated by in silico analysis. Since supporting evidence is limited at this time, the clinical significance of this alteration remains unclear.